The following is an entry in ClinVar:

NM_004656.4(BAP1):c.784-8G>C

Gene: BAP1 (BRCA1 associated deubiquitinase 1; minus strand). Cytogenetic location: 3p21.1.
Variant type: single nucleotide variant.
Coding change: c.784-8G>C on transcript NM_004656.4 (MANE Select); 8 bases into the intron before coding-DNA position 784, G replaced by C.
Molecular consequence: intron variant.
Genome position (GRCh38, 1-based): chr3:52,405,920, C>G on the plus strand (G>C on the coding strand, the complement: BAP1 is on the minus strand). VCF-style: chr3-52405920-C-G. GRCh37 (hg19) VCF-style: chr3-52439936-C-G.
Identifiers: ClinVar variation 490893 (VCV000490893.4), dbSNP rs1433680539, ClinGen allele CA658683355.

ClinVar aggregate classification (germline): Likely benign. Review status: criteria provided, multiple submitters, no conflicts (2 of 4 stars). 2 submissions from 2 submitters: Likely benign (2). Last evaluated 2024-07-15.

Conditions:
Hereditary cancer-predisposing syndrome. Also called: Hereditary Cancer Syndrome; Neoplastic Syndromes, Hereditary; Tumor predisposition; Hereditary neoplastic syndrome. Identifiers: Orphanet 140162, MedGen C0027672, MeSH D009386, MONDO:0015356.
BAP1-related tumor predisposition syndrome (TPDS1). Also called: Tumor susceptibility linked to germline BAP1 mutations; BAP1 tumor predisposition syndrome; COMMON Syndrome; TUMOR PREDISPOSITION SYNDROME 1. Identifiers: Orphanet 289539, MedGen C3280492, MONDO:0013692, OMIM 614327.

Submissions (2):

Myriad Genetics, Inc.
Classification: Likely benign for BAP1-related tumor predisposition syndrome. Last evaluated: 2024-07-15. Review status: criteria provided, single submitter. Criteria: Myriad Autosomal Dominant, Autosomal Recessive and X-Linked Classification Criteria (2023). Collection method: clinical testing. Allele origin: unknown.
Comment: This variant is considered likely benign. This variant is intronic and is not expected to impact mRNA splicing.

Color Diagnostics, LLC DBA Color Health
Classification: Likely benign for Hereditary cancer-predisposing syndrome. Last evaluated: 2016-12-16. Review status: criteria provided, single submitter. Criteria: ACMG Guidelines, 2015. Collection method: clinical testing. Allele origin: germline.